The following is an entry in ClinVar:

ClinVar aggregate classification (germline): Likely benign. Review status: criteria provided, multiple submitters, no conflicts (2 of 4 stars). 2 submissions from 2 submitters: Likely benign (2). Last evaluated 2025-02-04.

Conditions:
Hypertrophic cardiomyopathy. Also called: HYPERTROPHIC MYOCARDIOPATHY. Identifiers: Orphanet 217569, MedGen C0007194, MeSH D002312, MONDO:0005045, HP:0001639.
Cardiovascular phenotype. Identifiers: MedGen CN230736.

Allele frequency attached by ClinVar (database versions not stated): ExAC 0.00001.

Submissions (2):

Ambry Genetics
Classification: Likely benign for Cardiovascular phenotype. Last evaluated: 2025-02-04. Review status: criteria provided, single submitter. Criteria: Ambry Variant Classification Scheme 2023. Collection method: clinical testing. Allele origin: germline.

All of Us Research Program, National Institutes of Health
Classification: Likely benign for Hypertrophic cardiomyopathy. Last evaluated: 2023-04-28. Review status: criteria provided, single submitter. Criteria: ACMG Guidelines, 2015. Collection method: clinical testing. Allele origin: germline. Inheritance: Autosomal dominant inheritance. Observed: 1 variant allele, 1 heterozygote.
Comment: This study involves interpretation of variants in research participants for the purpose of population health screening. Participant phenotype was not available at the time of variant classification. Additional details can be found in publication PMID: 35346344, PMCID: PMC8962531

NM_000258.3(MYL3):c.309G>A (p.Glu103=)

Gene: MYL3 (myosin light chain 3; minus strand). Cytogenetic location: 3p21.31.
Variant type: single nucleotide variant.
Coding change: c.309G>A on transcript NM_000258.3 (MANE Select); coding-DNA position 309, G replaced by A.
Protein change: p.Glu103=; no amino-acid change (glutamic acid 103 retained).
Molecular consequence: synonymous variant.
Genome position (GRCh38, 1-based): chr3:46,859,647, C>T on the plus strand (G>A on the coding strand, the complement: MYL3 is on the minus strand). VCF-style: chr3-46859647-C-T. GRCh37 (hg19) VCF-style: chr3-46901137-C-T.
Other names: c.309G>A, p.Glu103= (NM_001406937.1, NM_001406938.1, NM_001406939.1); c.135G>A, p.Glu45= (NM_001406940.1, NM_001406941.1).
Identifiers: ClinVar variation 3070589 (VCV003070589.2), dbSNP rs746306290, ClinGen allele CA043689.